The following is an entry in ClinVar:

ClinVar aggregate classification (germline): Likely benign (1 of 4 stars; one submission).

Allele frequency attached by ClinVar (database versions not stated): ExAC 0.00002; 1000 Genomes Project 30x 0.00016; 1000 Genomes Project 0.00020.
gnomAD v4.1: 21 of 1,614,126 alleles (0.0013%); highest among the groups gnomAD compares: Middle Eastern, 0.033%; no homozygotes.

Submission:

CeGaT Center for Human Genetics Tuebingen
Classification: Likely benign. Last evaluated: 2022-07-01. Review status: criteria provided, single submitter. Criteria: CeGaT Center For Human Genetics Tuebingen Variant Classification Criteria Version 2. Collection method: clinical testing. Allele origin: germline. Affected: yes. Observed: 1 variant allele.
Comment: TXNDC5: BP4, BP7

NM_030810.5(TXNDC5):c.375C>T (p.Ser125=)

Genes: BLOC1S5-TXNDC5 (BLOC1S5-TXNDC5 readthrough (NMD candidate); minus strand), TXNDC5 (thioredoxin domain containing 5; minus strand). Cytogenetic location: 6p24.3.
Variant type: single nucleotide variant.
Coding change: c.375C>T on transcript NM_030810.5 (MANE Select); coding-DNA position 375, C replaced by T.
Protein change: p.Ser125=; no amino-acid change (serine 125 retained).
Molecular consequence: synonymous variant. On other transcripts: non-coding transcript variant (1).
Genome position (GRCh38, 1-based): chr6:7,904,612, G>A on the plus strand (C>T on the coding strand, the complement: TXNDC5 is on the minus strand). VCF-style: chr6-7904612-G-A. GRCh37 (hg19) VCF-style: chr6-7904845-G-A.
Other names: c.51C>T, p.Ser17= (NM_001145549.4).
Identifiers: ClinVar variation 2656217 (VCV002656217.24), dbSNP rs145214714, ClinGen allele CA3629383.